The following is an entry in ClinVar:

ClinVar aggregate classification (germline): Uncertain significance (1 of 4 stars; one submission).

Allele frequency attached by ClinVar (database versions not stated): gnomAD exomes below 0.00001.
gnomAD v4.1: 1 of 1,614,044 alleles (0.000062%); highest among the groups gnomAD compares: East Asian, 0.0022%; no homozygotes.

Submission:

GeneDx
Classification: Uncertain significance. Last evaluated: 2023-04-08. Review status: criteria provided, single submitter. Criteria: GeneDx Variant Classification Process June 2021. Collection method: clinical testing. Allele origin: germline. Affected: yes.
Comment: Not observed at significant frequency in large population cohorts (gnomAD); In silico analysis supports that this missense variant has a deleterious effect on protein structure/function; Has not been previously published as pathogenic or benign to our knowledge

NM_006940.6(SOX5):c.1957C>T (p.Arg653Trp)

Gene: SOX5 (SRY-box transcription factor 5; minus strand). Cytogenetic location: 12p12.1.
Variant type: single nucleotide variant.
Coding change: c.1957C>T on transcript NM_006940.6 (MANE Select); coding-DNA position 1957, C replaced by T.
Protein change: p.Arg653Trp; replaces arginine 653 with tryptophan.
Molecular consequence: missense variant.
Genome position (GRCh38, 1-based): chr12:23,536,484, G>A on the plus strand (C>T on the coding strand, the complement: SOX5 is on the minus strand). VCF-style: chr12-23536484-G-A. GRCh37 (hg19) VCF-style: chr12-23689418-G-A.
Other names: c.1594C>T, p.Arg532Trp (NM_001261414.3); c.1927C>T, p.Arg643Trp (NM_001261415.3); c.1852C>T, p.Arg618Trp (NM_001330785.2); c.1918C>T, p.Arg640Trp (NM_152989.5); c.799C>T, p.Arg267Trp (NM_178010.4); short protein forms R267W, R532W, R618W, R640W, R643W, R653W.
Identifiers: ClinVar variation 2663167 (VCV002663167.1), dbSNP rs2547739913, ClinGen allele CA384319226.